The following is an entry in ClinVar:

ClinVar aggregate classification (germline): Uncertain significance (1 of 4 stars; one submission).

Conditions:
DICER1-related tumor predisposition. Also called: DICER1 syndrome; DICER1-related pleuropulmonary blastoma cancer predisposition syndrome. Identifiers: Orphanet 284343, MedGen C3839822, MONDO:0100216.

Submission:

Labcorp Genetics (formerly Invitae), Labcorp
Classification: Uncertain significance for DICER1-related tumor predisposition. Last evaluated: 2021-12-11. Review status: criteria provided, single submitter. Criteria: Invitae Variant Classification Sherloc (09022015). Collection method: clinical testing. Allele origin: germline.
Comment: In summary, the available evidence is currently insufficient to determine the role of this variant in disease. Therefore, it has been classified as a Variant of Uncertain Significance. Algorithms developed to predict the effect of missense changes on protein structure and function (SIFT, PolyPhen-2, Align-GVGD) all suggest that this variant is likely to be disruptive. This variant has not been reported in the literature in individuals affected with DICER1-related conditions. This variant is not present in population databases (gnomAD no frequency). This sequence change replaces valine, which is neutral and non-polar, with leucine, which is neutral and non-polar, at codon 1034 of the DICER1 protein (p.Val1034Leu).

NM_177438.3(DICER1):c.3100G>C (p.Val1034Leu)

Gene: DICER1 (dicer 1, ribonuclease III; minus strand). Cytogenetic location: 14q32.13.
Variant type: single nucleotide variant.
Coding change: c.3100G>C on transcript NM_177438.3 (MANE Select); coding-DNA position 3100, G replaced by C.
Protein change: p.Val1034Leu; replaces valine 1034 with leucine.
Molecular consequence: missense variant.
Genome position (GRCh38, 1-based): chr14:95,105,240, C>G on the plus strand (G>C on the coding strand, the complement: DICER1 is on the minus strand). VCF-style: chr14-95105240-C-G. GRCh37 (hg19) VCF-style: chr14-95571577-C-G.
Other names: c.3100G>C, p.Val1034Leu (NM_001195573.1, NM_001271282.3, NM_001291628.2 and 1 more transcripts); short protein forms V1034L.
Identifiers: ClinVar variation 1361286 (VCV001361286.7), dbSNP rs2139988527, ClinGen allele CA390876957.